The following is an entry in ClinVar:

NM_032043.3(BRIP1):c.107T>A (p.Leu36Ter)

Gene: BRIP1 (BRCA1 interacting DNA helicase 1; minus strand). Cytogenetic location: 17q23.2.
Variant type: single nucleotide variant.
Coding change: c.107T>A on transcript NM_032043.3 (MANE Select); coding-DNA position 107, T replaced by A.
Protein change: p.Leu36Ter; replaces leucine 36 with a stop codon.
Molecular consequence: nonsense.
Genome position (GRCh38, 1-based): chr17:61,859,894, A>T on the plus strand (T>A on the coding strand, the complement: BRIP1 is on the minus strand). VCF-style: chr17-61859894-A-T. GRCh37 (hg19) VCF-style: chr17-59937255-A-T.
Other names: short protein forms L36*.
Identifiers: ClinVar variation 2584255 (VCV002584255.2), dbSNP rs1060501767, ClinGen allele CA400485861.

ClinVar aggregate classification (germline): Pathogenic (1 of 4 stars; one submission).

Conditions:
Familial cancer of breast. Also called: BREAST CANCER, FAMILIAL; hereditary breast carcinoma; Hereditary breast cancer. Identifiers: Orphanet 227535, MedGen C0346153, MONDO:0016419, OMIM 114480. Disease mechanism: loss of function.

Submission:

Myriad Genetics, Inc.
Classification: Pathogenic for Familial cancer of breast. Last evaluated: 2023-05-30. Review status: criteria provided, single submitter. Criteria: Myriad Autosomal Dominant, Autosomal Recessive and X-Linked Classification Criteria (2023). Collection method: clinical testing. Allele origin: unknown.
Comment: This variant is considered pathogenic. This variant creates a termination codon and is predicted to result in premature protein truncation.